The following is an entry in ClinVar:

NM_144772.3(NAXE):c.540T>G (p.Tyr180Ter)

Gene: NAXE (NAD(P)HX epimerase; plus strand). Cytogenetic location: 1q22.
Variant type: single nucleotide variant.
Coding change: c.540T>G on transcript NM_144772.3 (MANE Select); coding-DNA position 540, T replaced by G.
Protein change: p.Tyr180Ter; replaces tyrosine 180 with a stop codon.
Molecular consequence: nonsense.
Genome position (GRCh38, 1-based): chr1:156,593,431, T>G. VCF-style: chr1-156593431-T-G. GRCh37 (hg19) VCF-style: chr1-156563223-T-G.
Other names: short protein forms Y180*.
Identifiers: ClinVar variation 2894988 (VCV002894988.3), dbSNP rs572486885, ClinGen allele CA1162826.

ClinVar aggregate classification (germline): Pathogenic (1 of 4 stars; one submission).

Allele frequency attached by ClinVar (database versions not stated): gnomAD 0.00005; TOPMed 0.00008; 1000 Genomes Project 30x 0.00016; 1000 Genomes Project 0.00020.

Submission:

Labcorp Genetics (formerly Invitae), Labcorp
Classification: Pathogenic. Last evaluated: 2022-10-18. Review status: criteria provided, single submitter. Criteria: Invitae Variant Classification Sherloc (09022015). Collection method: clinical testing. Allele origin: germline.
Comment: For these reasons, this variant has been classified as Pathogenic. This variant has not been reported in the literature in individuals affected with NAXE-related conditions. This variant is present in population databases (rs572486885, gnomAD 0.003%). This sequence change creates a premature translational stop signal (p.Tyr180*) in the NAXE gene. It is expected to result in an absent or disrupted protein product. Loss-of-function variants in NAXE are known to be pathogenic (PMID: 27290639, 27616477, 33798445).

Literature cited by the submitters: PubMed 27290639; PubMed 27616477; PubMed 33798445.